The following is an entry in ClinVar:

NM_138477.4(CDAN1):c.3674_3675insT (p.Gln1226fs)

Gene: CDAN1 (codanin 1; minus strand). Cytogenetic location: 15q15.2.
Variant type: Insertion.
Coding change: c.3674_3675insT on transcript NM_138477.4 (MANE Select); coding-DNA positions 3674 to 3675, T inserted.
Protein change: p.Gln1226fs; shifts the reading frame from glutamine 1226.
Molecular consequence: frameshift variant.
Genome position: GRCh38 VCF-style: chr15-42724500-G-GA. GRCh37 (hg19) VCF-style: chr15-43016698-G-GA.
Other names: short protein forms Q1226fs.
Identifiers: ClinVar variation 2133680 (VCV002133680.6), dbSNP rs2506060990, ClinGen allele CA2580089412.

ClinVar aggregate classification (germline): Uncertain significance. Review status: criteria provided, multiple submitters, no conflicts (2 of 4 stars). 2 submissions from 2 submitters: Uncertain significance (2). Last evaluated 2025-10-10.

Submissions (2):

Dasa
Classification: Uncertain significance. Last evaluated: 2025-10-10. Review status: criteria provided, single submitter. Criteria: DASA Assertion Criteria. Collection method: clinical testing. Allele origin: germline.
Comment: NM_138477.4(CDAN1):c.3674_3675insT (p.Gln1226Profs*38) is a frameshift variant in CDAN1 predicted to alter the reading frame and introduce a premature termination codon and is predicted to result in an absent or altered protein product. This variant is absent from population databases. The currently available literature and clinical evidence are not sufficient to establish a definitive association between this variant and the reported condition. Therefore, this variant is classified as a variant of uncertain significance.

Labcorp Genetics (formerly Invitae), Labcorp
Classification: Uncertain significance. Last evaluated: 2022-06-01. Review status: criteria provided, single submitter. Criteria: Invitae Variant Classification Sherloc (09022015). Collection method: clinical testing. Allele origin: germline.
Comment: In summary, the available evidence is currently insufficient to determine the role of this variant in disease. Therefore, it has been classified as a Variant of Uncertain Significance. Experimental studies and prediction algorithms are not available or were not evaluated, and the functional significance of this variant is currently unknown. This variant has not been reported in the literature in individuals affected with CDAN1-related conditions. This variant is not present in population databases (gnomAD no frequency). This sequence change results in a frameshift in the CDAN1 gene (p.Gln1226Profs*38). While this is not anticipated to result in nonsense mediated decay, it is expected to disrupt the last 2 amino acid(s) of the CDAN1 protein and extend the protein by 35 additional amino acid residues.